The following is an entry in ClinVar:

ClinVar aggregate classification (germline): Likely benign (0 of 4 stars; one submission).

Conditions:
ROBO1-related disorder. Also called: ROBO1-related condition.

Allele frequency attached by ClinVar (database versions not stated): ExAC 0.00005; gnomAD 0.00005; TOPMed 0.00005; ESP Exome Variant Server 0.00008; gnomAD exomes 0.00009.
gnomAD v4.1: 143 of 1,613,334 alleles (0.0089%); highest among the groups gnomAD compares: Non-Finnish European, 0.011%; no homozygotes.

Submission:

PreventionGenetics, part of Exact Sciences
Classification: Likely benign for ROBO1-related condition. Last evaluated: 2019-07-17. Review status: no assertion criteria provided. Collection method: clinical testing. Allele origin: germline.
Comment: This variant is classified as likely benign based on ACMG/AMP sequence variant interpretation guidelines (Richards et al. 2015 PMID: 25741868, with internal and published modifications).

NM_002941.4(ROBO1):c.4827A>G (p.Ser1609=)

Gene: ROBO1 (roundabout guidance receptor 1; minus strand). Cytogenetic location: 3p12.3.
Variant type: single nucleotide variant.
Coding change: c.4827A>G on transcript NM_002941.4 (MANE Select); coding-DNA position 4827, A replaced by G.
Protein change: p.Ser1609=; no amino-acid change (serine 1609 retained).
Molecular consequence: synonymous variant.
Genome position (GRCh38, 1-based): chr3:78,600,227, T>C on the plus strand (A>G on the coding strand, the complement: ROBO1 is on the minus strand). VCF-style: chr3-78600227-T-C. GRCh37 (hg19) VCF-style: chr3-78649377-T-C.
Other names: c.4692A>G, p.Ser1564= (NM_001145844.1, NM_133631.4); c.4527A>G, p.Ser1509= (NM_001145845.2).
Identifiers: ClinVar variation 3049416 (VCV003049416.2), dbSNP rs377726206, ClinGen allele CA2497948.